The following is an entry in ClinVar:

NM_000395.3(CSF2RB):c.1904G>A (p.Gly635Glu)

Gene: CSF2RB (colony stimulating factor 2 receptor subunit beta; plus strand). Cytogenetic location: 22q12.3.
Variant type: single nucleotide variant.
Coding change: c.1904G>A on transcript NM_000395.3 (MANE Select); coding-DNA position 1904, G replaced by A.
Protein change: p.Gly635Glu; replaces glycine 635 with glutamic acid.
Molecular consequence: missense variant.
Genome position (GRCh38, 1-based): chr22:36,937,712, G>A. VCF-style: chr22-36937712-G-A. GRCh37 (hg19) VCF-style: chr22-37333754-G-A.
Other names: c.1904G>A (NM_000395.2); c.1922G>A, p.Gly641Glu (NM_001410827.1); short protein forms G635E, G641E.
Identifiers: ClinVar variation 3608166 (VCV003608166.3).
Genomic context (GRCh38, chr22:36,937,712, plus strand): 5'-GTGGGAGCCAGAAGTCCCCACCTCCAGGGTCCCTGGAGTACCTGTGTCTGCCTGCTGGGG[G>A]GCAGGTGCAACTGGTCCCTCTGGCCCAGGCGATGGGACCAGGACAGGCCGTGGAAGTGGA-3'
Protein context (NP_000386.1, residues 625-645): SLEYLCLPAG[Gly635Glu]QVQLVPLAQA

ClinVar aggregate classification (germline): Uncertain significance. Review status: criteria provided, multiple submitters, no conflicts (2 of 4 stars). 2 submissions from 2 submitters: Uncertain significance (2). Last evaluated 2025-08-26.

Conditions:
Inborn genetic diseases. Identifiers: MedGen C0950123, MeSH D030342.

gnomAD v4.1: 1 of 1,556,260 alleles (0.000064%); highest among the groups gnomAD compares: African/African-American, 0.0014%; no homozygotes.

Submissions (2):

Ambry Genetics
Classification: Uncertain significance for Inborn genetic diseases. Last evaluated: 2025-08-26. Review status: criteria provided, single submitter. Criteria: Ambry Variant Classification Scheme 2023. Collection method: clinical testing. Allele origin: germline.

Labcorp Genetics (formerly Invitae), Labcorp
Classification: Uncertain significance. Last evaluated: 2025-05-01. Review status: criteria provided, single submitter. Criteria: Invitae Variant Classification Sherloc (09022015). Collection method: clinical testing. Allele origin: germline.
Comment: This sequence change replaces glycine, which is neutral and non-polar, with glutamic acid, which is acidic and polar, at codon 635 of the CSF2RB protein (p.Gly635Glu). This variant is not present in population databases (gnomAD no frequency). This variant has not been reported in the literature in individuals affected with CSF2RB-related conditions. ClinVar contains an entry for this variant (Variation ID: 3608166). Invitae Evidence Modeling of protein sequence and biophysical properties (such as structural, functional, and spatial information, amino acid conservation, physicochemical variation, residue mobility, and thermodynamic stability) indicates that this missense variant is not expected to disrupt CSF2RB protein function with a negative predictive value of 80%. In summary, the available evidence is currently insufficient to determine the role of this variant in disease. Therefore, it has been classified as a Variant of Uncertain Significance.